The following is an entry in ClinVar:

NM_021815.5(SLC5A7):c.1423C>A (p.Gln475Lys)

Gene: SLC5A7 (solute carrier family 5 member 7; plus strand). Cytogenetic location: 2q12.3.
Variant type: single nucleotide variant.
Coding change: c.1423C>A on transcript NM_021815.5 (MANE Select); coding-DNA position 1423, C replaced by A.
Protein change: p.Gln475Lys; replaces glutamine 475 with lysine.
Molecular consequence: missense variant.
Genome position (GRCh38, 1-based): chr2:108,010,541, C>A. VCF-style: chr2-108010541-C-A. GRCh37 (hg19) VCF-style: chr2-108626997-C-A.
Other names: c.1423C>A, p.Gln475Lys (NM_001305005.3); c.1108C>A, p.Gln370Lys (NM_001305006.3); c.682C>A, p.Gln228Lys (NM_001305007.3); short protein forms Q228K, Q370K, Q475K.
Identifiers: ClinVar variation 3364119 (VCV003364119.1).

ClinVar aggregate classification (germline): Uncertain significance (1 of 4 stars; one submission).

gnomAD v4.1: 1 of 1,613,672 alleles (0.000062%); highest among the groups gnomAD compares: Non-Finnish European, 0.000085%; no homozygotes.

Submission:

GeneDx
Classification: Uncertain significance. Last evaluated: 2023-11-13. Review status: criteria provided, single submitter. Criteria: GeneDx Variant Classification Process June 2021. Collection method: clinical testing. Allele origin: germline. Affected: yes.
Comment: Not observed at significant frequency in large population cohorts (gnomAD); In silico analysis supports that this missense variant has a deleterious effect on protein structure/function; Has not been previously published as pathogenic or benign to our knowledge